The following is an entry in ClinVar:

NM_001367624.2(ZNF469):c.8388dup (p.Leu2800fs)

Gene: ZNF469 (zinc finger protein 469; plus strand). Cytogenetic location: 16q24.2.
Variant type: Duplication.
Coding change: c.8388dup on transcript NM_001367624.2 (MANE Select); coding-DNA position 8388, one base duplicated (C; older notation c.8388dupC).
Protein change: p.Leu2800fs; shifts the reading frame from leucine 2800.
Molecular consequence: frameshift variant.
Genome position (GRCh38, 1-based): chr16:88,435,858, C duplicated; the last of 6 consecutive C bases (chr16:88,435,853-88,435,858); duplicating any one gives the same sequence. VCF-style (leftmost placement, unchanged base first): chr16-88435852-G-GC. GRCh37 (hg19) VCF-style: chr16-88502260-G-GC.
Other names: short protein forms L2800fs.
Identifiers: ClinVar variation 2838498 (VCV002838498.3), dbSNP rs2507599497, ClinGen allele CA2576089684.

ClinVar aggregate classification (germline): Pathogenic (1 of 4 stars; one submission).

Submission:

Labcorp Genetics (formerly Invitae), Labcorp
Classification: Pathogenic. Last evaluated: 2025-11-26. Review status: criteria provided, single submitter. Criteria: Invitae Variant Classification Sherloc (09022015). Collection method: clinical testing. Allele origin: germline.
Comment: This sequence change creates a premature translational stop signal (p.Leu2800Profs*36) in the ZNF469 gene. While this is not anticipated to result in nonsense mediated decay, it is expected to disrupt the last 1154 amino acid(s) of the ZNF469 protein. This variant is not present in population databases (gnomAD no frequency). This variant has not been reported in the literature in individuals affected with ZNF469-related conditions. ClinVar contains an entry for this variant (Variation ID: 2838498). This variant disrupts a region of the ZNF469 protein in which other variant(s) (p.Pro3556Glnfs*136) have been determined to be pathogenic (PMID: 32671420). This suggests that this is a clinically significant region of the protein, and that variants that disrupt it are likely to be disease-causing. For these reasons, this variant has been classified as Pathogenic.

Literature cited by the submitters: PubMed 32671420.